The following is an entry in ClinVar:

ClinVar aggregate classification (germline): Uncertain significance (1 of 4 stars; one submission).

Submission:

Labcorp Genetics (formerly Invitae), Labcorp
Classification: Uncertain significance. Last evaluated: 2026-01-21. Review status: criteria provided, single submitter. Criteria: Invitae Variant Classification Sherloc (09022015). Collection method: clinical testing. Allele origin: germline.
Comment: This sequence change creates a premature translational stop signal (p.Asn94Thrfs*28) in the NPPC gene. While this is not anticipated to result in nonsense mediated decay, it is expected to disrupt the last 33 amino acid(s) of the NPPC protein. This variant is not present in population databases (gnomAD no frequency). This variant has not been reported in the literature in individuals affected with NPPC-related conditions. Experimental studies and prediction algorithms are not available or were not evaluated, and the functional significance of this variant is currently unknown. In summary, the available evidence is currently insufficient to determine the role of this variant in disease. Therefore, it has been classified as a Variant of Uncertain Significance.

NM_024409.4(NPPC):c.279del (p.Asn94fs)

Gene: NPPC (natriuretic peptide C; minus strand). Cytogenetic location: 2q37.1.
Variant type: Deletion.
Coding change: c.279del on transcript NM_024409.4 (MANE Select); coding-DNA position 279, one base deleted (C; older notation c.279delC).
Protein change: p.Asn94fs; shifts the reading frame from asparagine 94.
Molecular consequence: frameshift variant.
Genome position (GRCh38, 1-based): chr2:231,925,527, G deleted on the plus strand (C on the coding strand, the reverse complement: NPPC is on the minus strand); the first of 4 consecutive G bases (chr2:231,925,527-231,925,530); deleting any one gives the same sequence. VCF-style (leftmost placement, unchanged base first): chr2-231925526-TG-T. GRCh37 (hg19) VCF-style: chr2-232790236-TG-T.
Other names: short protein forms N94fs.
Identifiers: ClinVar variation 4735972 (VCV004735972.1).